The following is an entry in ClinVar:

ClinVar aggregate classification (germline): Pathogenic/Likely pathogenic. Review status: criteria provided, multiple submitters, no conflicts (2 of 4 stars). 6 submissions from 6 submitters: Pathogenic (2); Likely pathogenic (3). 1 of the submissions does not count toward it. Last evaluated 2025-09-18.

Conditions:
Smith-Lemli-Opitz syndrome (SLOS). Also called: LETHAL ACRODYSGENITAL SYNDROME; POLYDACTYLY, SEX REVERSAL, RENAL HYPOPLASIA, AND UNILOBAR LUNG; RSH SYNDROME; RUTLEDGE LETHAL MULTIPLE CONGENITAL ANOMALY SYNDROME; 7-Dehydrocholesterol reductase deficiency. Identifiers: Orphanet 818, MedGen C0175694, MONDO:0010035, OMIM 270400.

Allele frequency attached by ClinVar (database versions not stated): gnomAD 0.00001; TOPMed 0.00001.
gnomAD v4.1: 1 of 1,612,850 alleles (0.000062%); highest among the groups gnomAD compares: Non-Finnish European, 0.000085%; no homozygotes.

Submissions (6):

Natera, Inc.
Classification: Likely pathogenic for Smith-Lemli-Opitz syndrome. Last evaluated: 2025-09-18. Review status: criteria provided, single submitter. Criteria: Natera Variant Classification Schema (03/2026). Collection method: clinical testing. Allele origin: germline.
Comment: The c.1146C>A variant in DHCR7 is a nonsense variant predicted to introduce a stop codon at amino acid 382. This variant is expected to result in nonsense mediated decay, truncation, or a dysfunctional protein product. This variant is rare in the general population with a frequency below the threshold expected for the associated phenotype(s). Given the available evidence, this variant is classified as Likely Pathogenic.

Labcorp Genetics (formerly Invitae), Labcorp
Classification: Pathogenic for Smith-Lemli-Opitz syndrome. Last evaluated: 2025-04-27. Review status: criteria provided, single submitter. Criteria: Invitae Variant Classification Sherloc (09022015). Collection method: clinical testing. Allele origin: germline.
Comment: This sequence change creates a premature translational stop signal (p.Tyr382*) in the DHCR7 gene. While this is not anticipated to result in nonsense mediated decay, it is expected to disrupt the last 94 amino acid(s) of the DHCR7 protein. This variant is not present in population databases (gnomAD no frequency). This variant has not been reported in the literature in individuals affected with DHCR7-related conditions. ClinVar contains an entry for this variant (Variation ID: 552200). This variant disrupts a region of the DHCR7 protein in which other variant(s) (p.Arg404Cys) have been determined to be pathogenic (PMID: 9653161, 10677299, 12818773, 15896653). This suggests that this is a clinically significant region of the protein, and that variants that disrupt it are likely to be disease-causing. For these reasons, this variant has been classified as Pathogenic.

Myriad Genetics, Inc.
Classification: Pathogenic for Smith-Lemli-Opitz syndrome. Last evaluated: 2025-01-14. Review status: criteria provided, single submitter. Criteria: Myriad Autosomal Dominant, Autosomal Recessive and X-Linked Classification Criteria (2023). Collection method: clinical testing. Allele origin: unknown.
Comment: NM_001360.2(DHCR7):c.1146C>A(Y382*) is a nonsense variant classified as pathogenic in the context of Smith-Lemli-Opitz syndrome. Y382* has not been observed in cases with relevant disease. Relevant functional assessments of this variant are not available in the literature. Y382* has not been observed in referenced population frequency databases. In summary, NM_001360.2(DHCR7):c.1146C>A(Y382*) is a nonsense variant in a gene where loss of function is a known mechanism of disease and is predicted to disrupt protein function. Please note: this variant was assessed in the context of healthy population screening.

Fulgent Genetics
Classification: Likely pathogenic for Smith-Lemli-Opitz syndrome. Last evaluated: 2024-03-27. Review status: criteria provided, single submitter. Criteria: ACMG Guidelines, 2015. Collection method: clinical testing. Allele origin: germline.

Women's Health and Genetics/Laboratory Corporation of America, LabCorp
Classification: Likely pathogenic for Smith-Lemli-Opitz syndrome. Last evaluated: 2022-08-12. Review status: criteria provided, single submitter. Criteria: LabCorp Variant Classification Summary - May 2015. Collection method: clinical testing. Allele origin: germline.
Comment: Variant summary: DHCR7 c.1146C>A (p.Tyr382X) results in a premature termination codon, predicted to cause a truncation of the encoded protein or absence of the protein due to nonsense mediated decay, which are commonly known mechanisms for disease. Truncations downstream of this position have been classified as pathogenic in ClinVar and is associated with Smith-Lemli-Opitz Syndrome in HGMD. The variant was absent in 247902 control chromosomes (gnomAD). To our knowledge, no occurrence of c.1146C>A in individuals affected with Smith-Lemli-Opitz Syndrome and no experimental evidence demonstrating its impact on protein function have been reported. Three clinical diagnostic laboratories have submitted clinical-significance assessments for this variant to ClinVar after 2014 and all laboratories classified the variant as likely pathogenic. Based on the evidence outlined above, the variant was classified as likely pathogenic.

Counsyl
Classification: Likely pathogenic for Smith-Lemli-Opitz syndrome. Last evaluated: 2017-05-30. Review status: no assertion criteria provided. Collection method: clinical testing. Allele origin: unknown. Not counted in ClinVar's aggregate classification.

Literature cited by the submitters: PubMed 9653161 (cited by Labcorp Genetics (formerly Invitae), Labcorp); PubMed 10677299 (cited by Labcorp Genetics (formerly Invitae), Labcorp); PubMed 12818773 (cited by Labcorp Genetics (formerly Invitae), Labcorp); PubMed 15896653 (cited by Labcorp Genetics (formerly Invitae), Labcorp).

NM_001360.3(DHCR7):c.1146C>A (p.Tyr382Ter)

Gene: DHCR7 (7-dehydrocholesterol reductase; minus strand). Cytogenetic location: 11q13.4.
Variant type: single nucleotide variant.
Coding change: c.1146C>A on transcript NM_001360.3 (MANE Select); coding-DNA position 1146, C replaced by A.
Protein change: p.Tyr382Ter; replaces tyrosine 382 with a stop codon.
Molecular consequence: nonsense.
Genome position (GRCh38, 1-based): chr11:71,435,657, G>T on the plus strand (C>A on the coding strand, the complement: DHCR7 is on the minus strand). VCF-style: chr11-71435657-G-T. GRCh37 (hg19) VCF-style: chr11-71146703-G-T.
Other names: c.1146C>A, p.Tyr382Ter (NM_001163817.2); short protein forms Y382*.
Identifiers: ClinVar variation 552200 (VCV000552200.17), dbSNP rs1555145605, ClinGen allele CA381701822.